The following is an entry in ClinVar:

ClinVar aggregate classification (germline): Pathogenic/Likely pathogenic. Review status: criteria provided, multiple submitters, no conflicts (2 of 4 stars). 3 submissions from 3 submitters: Pathogenic (2); Likely pathogenic (1). Last evaluated 2023-07-07.

Conditions:
Macular corneal dystrophy (MCD). Also called: GROENOUW TYPE II CORNEAL DYSTROPHY; Macular corneal dystrophy Type I. Identifiers: Orphanet 98969, MedGen C1636149, MONDO:0009020, OMIM 217800.

Submissions (3):

Labcorp Genetics (formerly Invitae), Labcorp
Classification: Pathogenic for Macular corneal dystrophy. Last evaluated: 2023-07-07. Review status: criteria provided, single submitter. Criteria: Invitae Variant Classification Sherloc (09022015). Collection method: clinical testing. Allele origin: germline.
Comment: For these reasons, this variant has been classified as Pathogenic. This variant disrupts a region of the CHST6 protein in which other variant(s) (p.Gln298*) have been determined to be pathogenic (PMID: 19365571). This suggests that this is a clinically significant region of the protein, and that variants that disrupt it are likely to be disease-causing. ClinVar contains an entry for this variant (Variation ID: 1300205). This premature translational stop signal has been observed in individual(s) with macular corneal dystrophy (PMID: 32543930). The frequency data for this variant in the population databases is considered unreliable, as metrics indicate poor data quality at this position in the gnomAD database. This sequence change creates a premature translational stop signal (p.Glu283*) in the CHST6 gene. While this is not anticipated to result in nonsense mediated decay, it is expected to disrupt the last 113 amino acid(s) of the CHST6 protein.

Genetics and Molecular Pathology, SA Pathology
Classification: Pathogenic for Macular corneal dystrophy. Last evaluated: 2021-09-29. Review status: criteria provided, single submitter. Criteria: ACMG Guidelines, 2015. Collection method: clinical testing. Allele origin: germline. Inheritance: Autosomal recessive inheritance. Affected: yes.

Fulgent Genetics
Classification: Likely pathogenic for Macular corneal dystrophy. Last evaluated: 2021-09-17. Review status: criteria provided, single submitter. Criteria: ACMG Guidelines, 2015. Collection method: clinical testing. Allele origin: unknown.

Literature cited by the submitters: PubMed 19365571 (cited by Labcorp Genetics (formerly Invitae), Labcorp); PubMed 32543930 (cited by Labcorp Genetics (formerly Invitae), Labcorp).

NM_021615.5(CHST6):c.847_848delinsTG (p.Glu283Ter)

Gene: CHST6 (carbohydrate sulfotransferase 6; minus strand). Cytogenetic location: 16q23.1.
Variant type: Indel.
Coding change: c.847_848delinsTG on transcript NM_021615.5 (MANE Select); coding-DNA positions 847 to 848, GA replaced by TG.
Protein change: p.Glu283Ter; replaces glutamic acid 283 with a stop codon.
Molecular consequence: nonsense.
Genome position (GRCh38, 1-based): chr16:75,478,981-75,478,982, TC replaced by CA on the plus strand (GA replaced by TG on the coding strand, the reverse complement: CHST6 is on the minus strand). VCF-style: chr16-75478981-TC-CA. GRCh37 (hg19) VCF-style: chr16-75512879-TC-CA.
Other names: c.847_848delGAinsTG (NM_021615.5); short protein forms E283*.
Identifiers: ClinVar variation 1300205 (VCV001300205.12), dbSNP rs2151665554, ClinGen allele CA2497030152.
Genomic context (GRCh38, chr16:75,478,981, plus strand): 5'-ATCCAGGCCTCGAGCTGTGGCGTGAGACTGAGCCCAGTGAAGGCGTAGAGCGCACGGATT[TC>CA]TGCCAGCGGCTCCCGCGCCAGGTCCTCGAAGCGCACCAGGCGGTAGCGGCCGCGCAGAAA-3'